The following is an entry in ClinVar:

NM_000784.4(CYP27A1):c.9_10delinsAA (p.Leu4Met)

Gene: CYP27A1 (cytochrome P450 family 27 subfamily A member 1; plus strand). Cytogenetic location: 2q35.
Variant type: Indel.
Coding change: c.9_10delinsAA on transcript NM_000784.4 (MANE Select); coding-DNA positions 9 to 10, GC replaced by AA.
Protein change: p.Leu4Met; replaces leucine 4 with methionine.
Molecular consequence: missense variant.
Genome position (GRCh38, 1-based): chr2:218,782,191-218,782,192, GC replaced by AA. VCF-style: chr2-218782191-GC-AA. GRCh37 (hg19) VCF-style: chr2-219646914-GC-AA.
Other names: short protein forms L4M.
Identifiers: ClinVar variation 1997776 (VCV001997776.4), dbSNP rs2470201597, ClinGen allele CA2580065699.
Genomic context (GRCh38, chr2:218,782,191, plus strand): 5'-GGTCCGGGGACTCAGCACTCGACCCAAAGGTGCAGGCGCGCGAGCACAACCCATGGCTGC[GC>AA]TGGGCTGCGCGAGGCTGAGGTGGGCGCTGCGAGGGGCCGGCCGTGGCCTCTGCCCCCACG-3'
Protein context (NP_000775.1, residues 1-14): MAA[Leu4Met]GCARLRWALR

ClinVar aggregate classification (germline): Uncertain significance (1 of 4 stars; one submission).

Conditions:
Cholestanol storage disease (CTX). Also called: CEREBRAL CHOLESTERINOSIS; Cerebrotendinous Xanthomatosis; CTX: Cerebrotendinous xanthomatosis. Identifiers: Orphanet 909, MedGen C0238052, MONDO:0008948, OMIM 213700.

Submission:

Labcorp Genetics (formerly Invitae), Labcorp
Classification: Uncertain significance for Cholestanol storage disease. Last evaluated: 2022-09-06. Review status: criteria provided, single submitter. Criteria: Invitae Variant Classification Sherloc (09022015). Collection method: clinical testing. Allele origin: germline.
Comment: Information on the frequency of this variant in the gnomAD database is not available, as this variant may be reported differently in the database. This sequence change replaces leucine, which is neutral and non-polar, with methionine, which is neutral and non-polar, at codon 4 of the CYP27A1 protein (p.Leu4Met). This variant has not been reported in the literature in individuals affected with CYP27A1-related conditions. In summary, the available evidence is currently insufficient to determine the role of this variant in disease. Therefore, it has been classified as a Variant of Uncertain Significance. Experimental studies and prediction algorithms are not available or were not evaluated, and the functional significance of this variant is currently unknown.